The following is an entry in ClinVar:

NM_015072.5(TTLL5):c.3375C>T (p.Asn1125=)

Gene: TTLL5 (tubulin tyrosine ligase like 5; plus strand). Cytogenetic location: 14q24.3.
Variant type: single nucleotide variant.
Coding change: c.3375C>T on transcript NM_015072.5 (MANE Select); coding-DNA position 3375, C replaced by T.
Protein change: p.Asn1125=; no amino-acid change (asparagine 1125 retained).
Molecular consequence: synonymous variant.
Genome position (GRCh38, 1-based): chr14:75,863,715, C>T. VCF-style: chr14-75863715-C-T. GRCh37 (hg19) VCF-style: chr14-76330058-C-T.
Other names: c.3375C>T (NM_015072.4).
Identifiers: ClinVar variation 1129923 (VCV001129923.12), dbSNP rs377388883, ClinGen allele CA7279998.

ClinVar aggregate classification (germline): Likely benign. Review status: criteria provided, multiple submitters, no conflicts (2 of 4 stars). 3 submissions from 3 submitters: Likely benign (2). 1 of the submissions does not count toward it. Last evaluated 2024-05-23.

Conditions:
TTLL5-related disorder. Also called: TTLL5-related condition.

Allele frequency attached by ClinVar (database versions not stated): gnomAD 0.00004; gnomAD exomes 0.00004; TOPMed 0.00004; ExAC 0.00006; ESP Exome Variant Server 0.00023.
gnomAD v4.1: 50 of 1,611,814 alleles (0.0031%); highest among the groups gnomAD compares: Middle Eastern, 0.017%; no homozygotes.

Submissions (3):

Labcorp Genetics (formerly Invitae), Labcorp
Classification: Likely benign. Last evaluated: 2024-05-23. Review status: criteria provided, single submitter. Criteria: Invitae Variant Classification Sherloc (09022015). Collection method: clinical testing. Allele origin: germline.

Blueprint Genetics
Classification: Likely benign. Last evaluated: 2022-11-08. Review status: criteria provided, single submitter. Criteria: ACMG Guidelines, 2015. Collection method: clinical testing. Allele origin: germline.

PreventionGenetics, part of Exact Sciences
Classification: Likely benign for TTLL5-related condition. Last evaluated: 2019-02-22. Review status: no assertion criteria provided. Collection method: clinical testing. Allele origin: germline. Not counted in ClinVar's aggregate classification.
Comment: This variant is classified as likely benign based on ACMG/AMP sequence variant interpretation guidelines (Richards et al. 2015 PMID: 25741868, with internal and published modifications).